The following is an entry in ClinVar:

NM_001330.5(CTF1):c.250C>T (p.His84Tyr)

Genes: CTF1 (cardiotrophin 1; plus strand), LOC130058878 (ATAC-STARR-seq lymphoblastoid silent region 7400; plus strand). Cytogenetic location: 16p11.2.
Variant type: single nucleotide variant.
Coding change: c.250C>T on transcript NM_001330.5 (MANE Select); coding-DNA position 250, C replaced by T.
Protein change: p.His84Tyr; replaces histidine 84 with tyrosine.
Molecular consequence: missense variant. On other transcripts: non-coding transcript variant (1).
Genome position (GRCh38, 1-based): chr16:30,902,183, C>T. VCF-style: chr16-30902183-C-T. GRCh37 (hg19) VCF-style: chr16-30913504-C-T.
Other names: c.247C>T, p.His83Tyr (NM_001142544.3); short protein forms H83Y, H84Y.
Identifiers: ClinVar variation 1972020 (VCV001972020.6), dbSNP rs1216741384, ClinGen allele CA395618589.

ClinVar aggregate classification (germline): Uncertain significance. Review status: criteria provided, multiple submitters, no conflicts (2 of 4 stars). 2 submissions from 2 submitters: Uncertain significance (2). Last evaluated 2025-04-30.

Submissions (2):

Ambry Genetics
Classification: Uncertain significance. Last evaluated: 2025-04-30. Review status: criteria provided, single submitter. Criteria: Ambry Variant Classification Scheme 2023. Collection method: clinical testing. Allele origin: germline.

Labcorp Genetics (formerly Invitae), Labcorp
Classification: Uncertain significance. Last evaluated: 2022-05-12. Review status: criteria provided, single submitter. Criteria: Invitae Variant Classification Sherloc (09022015). Collection method: clinical testing. Allele origin: germline.
Comment: In summary, the available evidence is currently insufficient to determine the role of this variant in disease. Therefore, it has been classified as a Variant of Uncertain Significance. Algorithms developed to predict the effect of missense changes on protein structure and function (SIFT, PolyPhen-2, Align-GVGD) all suggest that this variant is likely to be tolerated. This variant has not been reported in the literature in individuals affected with CTF1-related conditions. The frequency data for this variant in the population databases is considered unreliable, as metrics indicate insufficient coverage at this position in the gnomAD database. This sequence change replaces histidine, which is basic and polar, with tyrosine, which is neutral and polar, at codon 84 of the CTF1 protein (p.His84Tyr).